The following is an entry in ClinVar:

NM_001375567.1(FOCAD):c.3484G>A (p.Val1162Ile)

Gene: FOCAD (focadhesin; plus strand). Cytogenetic location: 9p21.3.
Variant type: single nucleotide variant.
Coding change: c.3484G>A on transcript NM_001375567.1 (MANE Select); coding-DNA position 3484, G replaced by A.
Protein change: p.Val1162Ile; replaces valine 1162 with isoleucine.
Molecular consequence: missense variant.
Genome position (GRCh38, 1-based): chr9:20,944,703, G>A. VCF-style: chr9-20944703-G-A. GRCh37 (hg19) VCF-style: chr9-20944702-G-A.
Other names: c.3379G>A, p.Val1127Ile (NM_001375568.1, NM_001375570.1); c.3484G>A, p.Val1162Ile (NM_017794.5); c.3484G>A (NM_017794.3); short protein forms V1127I, V1162I.
Identifiers: ClinVar variation 2634720 (VCV002634720.2), dbSNP rs758307173, ClinGen allele CA5007570.

ClinVar aggregate classification (germline): Uncertain significance. Review status: criteria provided, multiple submitters, no conflicts (2 of 4 stars). 2 submissions from 2 submitters: Uncertain significance (2). Last evaluated 2023-11-10.

Conditions:
FOCAD-related disorder. Also called: FOCAD-related condition.
Inborn genetic diseases. Identifiers: MedGen C0950123, MeSH D030342.

Allele frequency attached by ClinVar (database versions not stated): ExAC 0.00002; gnomAD 0.00004.
gnomAD v4.1: 43 of 1,613,974 alleles (0.0027%); highest among the groups gnomAD compares: East Asian, 0.042%; no homozygotes.

Submissions (2):

Ambry Genetics
Classification: Uncertain significance for Inborn genetic diseases. Last evaluated: 2023-11-10. Review status: criteria provided, single submitter. Criteria: Ambry Variant Classification Scheme 2023. Collection method: clinical testing. Allele origin: germline.

PreventionGenetics, part of Exact Sciences
Classification: Uncertain significance for FOCAD-related condition. Last evaluated: 2023-05-25. Review status: criteria provided, single submitter. Criteria: ACMG Guidelines, 2015. Collection method: clinical testing. Allele origin: germline.
Comment: The FOCAD c.3484G>A variant is predicted to result in the amino acid substitution p.Val1162Ile. To our knowledge, this variant has not been reported in the literature. This variant is reported in 0.027% of alleles in individuals of East Asian descent in gnomAD. At this time, the clinical significance of this variant is uncertain due to the absence of conclusive functional and genetic evidence.